The following is an entry in ClinVar:

NM_004656.4(BAP1):c.1872G>A (p.Gly624=)

Gene: BAP1 (BRCA1 associated deubiquitinase 1; minus strand). Cytogenetic location: 3p21.1.
Variant type: single nucleotide variant.
Coding change: c.1872G>A on transcript NM_004656.4 (MANE Select); coding-DNA position 1872, G replaced by A.
Protein change: p.Gly624=; no amino-acid change (glycine 624 retained).
Molecular consequence: synonymous variant.
Genome position (GRCh38, 1-based): chr3:52,403,156, C>T on the plus strand (G>A on the coding strand, the complement: BAP1 is on the minus strand). VCF-style: chr3-52403156-C-T. GRCh37 (hg19) VCF-style: chr3-52437172-C-T.
Other names: c.1872G>A (LRG_529t1).
Identifiers: ClinVar variation 472683 (VCV000472683.38), dbSNP rs375950004, ClinGen allele CA2436696.
Genomic context (GRCh38, chr3:52,403,156, plus strand): 5'-CCTCTGCCAGGATTAAAGGAGAAAACCACAACGGAGGCTCACCTTGGGTGAGTATTTCTC[C>T]CCACTCAAGGGCTCGCCAGGCCTCACCATCCCCGTCTTCTCTCTGCTGTCCGTGGCTTCC-3'
Protein context (NP_004647.1, residues 614-634): GMVRPGEPLS[Gly624=]EKYSPKELLA

ClinVar aggregate classification (germline): Benign/Likely benign. Review status: criteria provided, multiple submitters, no conflicts (2 of 4 stars). 9 submissions from 9 submitters: Benign (2); Likely benign (6). 1 of the submissions does not count toward it. Last evaluated 2026-01-12.

Conditions:
BAP1-related disorder. Also called: BAP1-related condition.
Hereditary cancer-predisposing syndrome. Also called: Hereditary neoplastic syndrome; Tumor predisposition; Neoplastic Syndromes, Hereditary; Hereditary Cancer Syndrome. Identifiers: Orphanet 140162, MedGen C0027672, MeSH D009386, MONDO:0015356.
BAP1-related tumor predisposition syndrome (TPDS1). Also called: Tumor susceptibility linked to germline BAP1 mutations; TUMOR PREDISPOSITION SYNDROME 1; BAP1 tumor predisposition syndrome; COMMON Syndrome. Identifiers: Orphanet 289539, MedGen C3280492, MONDO:0013692, OMIM 614327.

Allele frequency attached by ClinVar (database versions not stated): TOPMed 0.00009; gnomAD exomes 0.00010; ESP Exome Variant Server 0.00008; gnomAD 0.00008 and 0.00009; ExAC 0.00009.
gnomAD v4.1: 151 of 1,613,668 alleles (0.0094%); highest among the groups gnomAD compares: Non-Finnish European, 0.012%; no homozygotes.

Submissions (9):

Labcorp Genetics (formerly Invitae), Labcorp
Classification: Likely benign for BAP1-related tumor predisposition syndrome. Last evaluated: 2026-01-12. Review status: criteria provided, single submitter. Criteria: Invitae Variant Classification Sherloc (09022015). Collection method: clinical testing. Allele origin: germline.

CeGaT Center for Human Genetics Tuebingen
Classification: Likely benign. Last evaluated: 2025-07-01. Review status: criteria provided, single submitter. Criteria: CeGaT Center For Human Genetics Tuebingen Variant Classification Criteria Version 2. Collection method: clinical testing. Allele origin: germline. Affected: yes. Observed: 1 variant allele.
Comment: BAP1: BP4, BP7

Center for Genomic Medicine, Rigshospitalet, Copenhagen University Hospital
Classification: Likely benign. Last evaluated: 2025-03-04. Review status: criteria provided, single submitter. Criteria: ACMG Guidelines, 2015. Collection method: clinical testing. Allele origin: germline.

Myriad Genetics, Inc.
Classification: Benign for BAP1-related tumor predisposition syndrome. Last evaluated: 2024-07-17. Review status: criteria provided, single submitter. Criteria: Myriad Autosomal Dominant, Autosomal Recessive and X-Linked Classification Criteria (2023). Collection method: clinical testing. Allele origin: unknown.
Comment: This variant is considered benign. This variant is a silent/synonymous amino acid change and it is not expected to impact splicing.

Sema4
Classification: Benign for Hereditary cancer-predisposing syndrome. Last evaluated: 2021-11-19. Review status: criteria provided, single submitter. Criteria: Sema4 Curation Guidelines. Collection method: curation. Allele origin: germline.

GeneDx
Classification: Likely benign. Last evaluated: 2021-05-07. Review status: criteria provided, single submitter. Criteria: GeneDx Variant Classification Process June 2021. Collection method: clinical testing. Allele origin: germline. Affected: yes.

Ambry Genetics
Classification: Likely benign for Hereditary cancer-predisposing syndrome. Last evaluated: 2017-05-31. Review status: criteria provided, single submitter. Criteria: Ambry Variant Classification Scheme 2023. Collection method: clinical testing. Allele origin: germline.

Color Diagnostics, LLC DBA Color Health
Classification: Likely benign for Hereditary cancer-predisposing syndrome. Last evaluated: 2016-06-27. Review status: criteria provided, single submitter. Criteria: ACMG Guidelines, 2015. Collection method: clinical testing. Allele origin: germline.

PreventionGenetics, part of Exact Sciences
Classification: Likely benign for BAP1-related condition. Last evaluated: 2021-12-30. Review status: no assertion criteria provided. Collection method: clinical testing. Allele origin: germline. Not counted in ClinVar's aggregate classification.
Comment: This variant is classified as likely benign based on ACMG/AMP sequence variant interpretation guidelines (Richards et al. 2015 PMID: 25741868, with internal and published modifications).